The following is an entry in ClinVar:

NM_000071.3(CBS):c.28G>T (p.Val10Leu)

Gene: CBS (cystathionine beta-synthase; minus strand). Cytogenetic location: 21q22.3.
Variant type: single nucleotide variant.
Coding change: c.28G>T on transcript NM_000071.3 (MANE Select); coding-DNA position 28, G replaced by T.
Protein change: p.Val10Leu; replaces valine 10 with leucine.
Molecular consequence: missense variant.
Genome position (GRCh38, 1-based): chr21:43,072,166, C>A on the plus strand (G>T on the coding strand, the complement: CBS is on the minus strand). VCF-style: chr21-43072166-C-A. GRCh37 (hg19) VCF-style: chr21-44492276-C-A.
Other names: c.28G>T, p.Val10Leu (NM_001178008.3, NM_001178009.3, NM_001320298.2); short protein forms V10L.
Identifiers: ClinVar variation 1982380 (VCV001982380.1), dbSNP rs1479837105, ClinGen allele CA410602589.

ClinVar aggregate classification (germline): Uncertain significance (1 of 4 stars; one submission).

Conditions:
HYPERHOMOCYSTEINEMIA, THROMBOTIC, CBS-RELATED. Identifiers: MedGen C3150344, OMIM 236200.

Submission:

Labcorp Genetics (formerly Invitae), Labcorp
Classification: Uncertain significance for HYPERHOMOCYSTEINEMIA, THROMBOTIC, CBS-RELATED. Last evaluated: 2022-08-03. Review status: criteria provided, single submitter. Criteria: Invitae Variant Classification Sherloc (09022015). Collection method: clinical testing. Allele origin: germline.
Comment: This sequence change replaces valine, which is neutral and non-polar, with leucine, which is neutral and non-polar, at codon 10 of the CBS protein (p.Val10Leu). This variant is not present in population databases (gnomAD no frequency). This variant has not been reported in the literature in individuals affected with CBS-related conditions. Algorithms developed to predict the effect of missense changes on protein structure and function (SIFT, PolyPhen-2, Align-GVGD) all suggest that this variant is likely to be tolerated. In summary, the available evidence is currently insufficient to determine the role of this variant in disease. Therefore, it has been classified as a Variant of Uncertain Significance.